The following is an entry in ClinVar:

NM_005902.4(SMAD3):c.239G>A (p.Arg80Gln)

Gene: SMAD3 (SMAD family member 3; plus strand). Cytogenetic location: 15q22.33.
Variant type: single nucleotide variant.
Coding change: c.239G>A on transcript NM_005902.4 (MANE Select); coding-DNA position 239, G replaced by A.
Protein change: p.Arg80Gln; replaces arginine 80 with glutamine.
Molecular consequence: missense variant. On other transcripts: 5 prime UTR variant (1).
Genome position (GRCh38, 1-based): chr15:67,164,927, G>A. VCF-style: chr15-67164927-G-A. GRCh37 (hg19) VCF-style: chr15-67457265-G-A.
Other names: c.-77G>A (NM_001145102.2); c.107G>A, p.Arg36Gln (NM_001145103.2); short protein forms R36Q, R80Q.
Identifiers: ClinVar variation 939685 (VCV000939685.23), dbSNP rs758823376, ClinGen allele CA062063.

ClinVar aggregate classification (germline): Uncertain significance. Review status: criteria provided, multiple submitters, no conflicts (2 of 4 stars). 4 submissions from 4 submitters: Uncertain significance (4). Last evaluated 2024-10-01.

Conditions:
Familial thoracic aortic aneurysm and aortic dissection (TAAD). Also called: Thoracic aortic aneurysms and dissections. Identifiers: Orphanet 91387, MedGen C4707243, MONDO:0019625.
Aneurysm-osteoarthritis syndrome. Also called: SMAD3-Related Loeys-Dietz Syndrome; ANEURYSMS-OSTEOARTHRITIS SYNDROME; LOEYS-DIETZ SYNDROME WITH OSTEOARTHRITIS; Loeys-Dietz syndrome, type 1C. Identifiers: Orphanet 284984, MedGen C3151087, MONDO:0013426, OMIM 613795.

Allele frequency attached by ClinVar (database versions not stated): gnomAD exomes below 0.00001 and 0.00001; ExAC 0.00001; gnomAD 0.00001.
gnomAD v4.1: 3 of 1,613,326 alleles (0.00019%); highest among the groups gnomAD compares: Admixed American, 0.0033%; no homozygotes.

Submissions (4):

CeGaT Center for Human Genetics Tuebingen
Classification: Uncertain significance. Last evaluated: 2024-10-01. Review status: criteria provided, single submitter. Criteria: CeGaT Center For Human Genetics Tuebingen Variant Classification Criteria Version 2. Collection method: clinical testing. Allele origin: germline. Affected: yes. Observed: 1 variant allele.
Comment: SMAD3: PM2, PP2

All of Us Research Program, National Institutes of Health
Classification: Uncertain significance for Aneurysm-osteoarthritis syndrome. Last evaluated: 2024-02-05. Review status: criteria provided, single submitter. Criteria: ACMG Guidelines, 2015. Collection method: clinical testing. Allele origin: germline. Inheritance: Autosomal dominant inheritance. Observed: 2 variant alleles, 2 heterozygotes.
Comment: This missense variant replaces arginine with glutamine at codon 80 of the SMAD3 protein. Computational prediction suggests that this variant may have a deleterious impact on protein structure and function (internally defined REVEL score threshold >= 0.7, PMID: 27666373). To our knowledge, functional studies have not been reported for this variant. This variant has not been reported in individuals affected with SMAD3-related disorders in the literature. This variant has been identified in 2/251428 chromosomes in the general population by the Genome Aggregation Database (gnomAD). The available evidence is insufficient to determine the role of this variant in disease conclusively. Therefore, this variant is classified as a Variant of Uncertain Significance.

This study involves interpretation of variants in research participants for the purpose of population health screening. Participant phenotype was not available at the time of variant classification. Additional details can be found in publication PMID: 35346344, PMCID: PMC8962531

Labcorp Genetics (formerly Invitae), Labcorp
Classification: Uncertain significance for Familial thoracic aortic aneurysm and aortic dissection. Last evaluated: 2024-01-11. Review status: criteria provided, single submitter. Criteria: Invitae Variant Classification Sherloc (09022015). Collection method: clinical testing. Allele origin: germline.
Comment: This sequence change replaces arginine, which is basic and polar, with glutamine, which is neutral and polar, at codon 80 of the SMAD3 protein (p.Arg80Gln). This variant is present in population databases (rs758823376, gnomAD 0.003%). This missense change has been observed in individual(s) with clinical features of Loeys-Dietz syndrome (Invitae). ClinVar contains an entry for this variant (Variation ID: 939685). Advanced modeling performed at Invitae incorporating data from internal and/or published experimental studies (Invitae) indicates that this missense variant is expected to disrupt SMAD3 function with a positive predictive value of 95%. In summary, the available evidence is currently insufficient to determine the role of this variant in disease. Therefore, it has been classified as a Variant of Uncertain Significance.

Color Diagnostics, LLC DBA Color Health
Classification: Uncertain significance for Familial thoracic aortic aneurysm and aortic dissection. Last evaluated: 2023-06-02. Review status: criteria provided, single submitter. Criteria: ACMG Guidelines, 2015. Collection method: clinical testing. Allele origin: germline.
Comment: This missense variant replaces arginine with glutamine at codon 80 of the SMAD3 protein. Computational prediction suggests that this variant may have a deleterious impact on protein structure and function. To our knowledge, functional studies have not been reported for this variant. This variant has not been reported in individuals affected with SMAD3-related disorders in the literature. This variant has been identified in 2/251428 chromosomes in the general population by the Genome Aggregation Database (gnomAD). The available evidence is insufficient to determine the role of this variant in disease conclusively. Therefore, this variant is classified as a Variant of Uncertain Significance.